The following is an entry in ClinVar:

NM_001386140.1(MTTP):c.1949del (p.Ile650fs)

Gene: MTTP (microsomal triglyceride transfer protein; plus strand). Cytogenetic location: 4q23.
Variant type: Deletion.
Coding change: c.1949del on transcript NM_001386140.1 (MANE Select); coding-DNA position 1949, one base deleted (T; older notation c.1949delT).
Protein change: p.Ile650fs; shifts the reading frame from isoleucine 650.
Molecular consequence: frameshift variant.
Genome position (GRCh38, 1-based): chr4:99,611,413, T deleted. VCF-style (leftmost placement, unchanged base first): chr4-99611412-AT-A. GRCh37 (hg19) VCF-style: chr4-100532569-AT-A.
Other names: c.1949del, p.Ile650fs (NM_000253.4); c.1700del, p.Ile567fs (NM_001300785.2); short protein forms I567fs, I650fs.
Identifiers: ClinVar variation 1068931 (VCV001068931.6), dbSNP rs1725952378, ClinGen allele CA1065950929.

ClinVar aggregate classification (germline): Pathogenic/Likely pathogenic. Review status: criteria provided, multiple submitters, no conflicts (2 of 4 stars). 2 submissions from 2 submitters: Pathogenic (1); Likely pathogenic (1). Last evaluated 2024-06-28.

Conditions:
Abetalipoproteinaemia (ABL). Also called: Abetalipoproteinemia; Abetalipoproteinemia neuropathy; Apolipoprotein B deficiency; Congenital betalipoprotein deficiency syndrome; MTP DEFICIENCY. Identifiers: Orphanet 14, MedGen C0000744, MONDO:0008692, OMIM 200100, HP:0008181.

Allele frequency attached by ClinVar (database versions not stated): gnomAD exomes below 0.00001; TOPMed below 0.00001; gnomAD 0.00001.

Submissions (2):

Labcorp Genetics (formerly Invitae), Labcorp
Classification: Pathogenic. Last evaluated: 2024-06-28. Review status: criteria provided, single submitter. Criteria: Invitae Variant Classification Sherloc (09022015). Collection method: clinical testing. Allele origin: germline.
Comment: This sequence change creates a premature translational stop signal (p.Ile650Thrfs*25) in the MTTP gene. It is expected to result in an absent or disrupted protein product. Loss-of-function variants in MTTP are known to be pathogenic (PMID: 8533758, 9671739). This variant is not present in population databases (gnomAD no frequency). This variant has not been reported in the literature in individuals affected with MTTP-related conditions. ClinVar contains an entry for this variant (Variation ID: 1068931). Algorithms developed to predict the effect of sequence changes on RNA splicing suggest that this variant may disrupt the consensus splice site. For these reasons, this variant has been classified as Pathogenic.

Women's Health and Genetics/Laboratory Corporation of America, LabCorp
Classification: Likely pathogenic for Abetalipoproteinaemia. Last evaluated: 2022-11-08. Review status: criteria provided, single submitter. Criteria: LabCorp Variant Classification Summary - May 2015. Collection method: clinical testing. Allele origin: germline.
Comment: Variant summary: MTTP c.1949delT (p.Ile650ThrfsX25) results in a premature termination codon, predicted to cause a truncation of the encoded protein or absence of the protein due to nonsense mediated decay, which are commonly known mechanisms for disease. At least one truncation downstream of this position has been classified as pathogenic by our laboratory. The variant was absent in 251156 control chromosomes (gnomAD). To our knowledge, no occurrence of c.1949delT in individuals affected with Abetalipoproteinaemia (Bassen-Kornzweig Syndrome) and no experimental evidence demonstrating its impact on protein function have been reported. One clinical diagnostic laboratory has submitted a clinical-significance assessment for this variant to ClinVar after 2014 and classified the variant as pathogenic. Based on the evidence outlined above, the variant was classified as likely pathogenic.

Literature cited by the submitters: PubMed 8533758 (cited by Labcorp Genetics (formerly Invitae), Labcorp); PubMed 9671739 (cited by Labcorp Genetics (formerly Invitae), Labcorp).